The following is an entry in ClinVar:

ClinVar aggregate classification (germline): Uncertain significance. Review status: criteria provided, multiple submitters, no conflicts (2 of 4 stars). 4 submissions from 4 submitters: Uncertain significance (4). Last evaluated 2025-03-31.

Conditions:
Inborn genetic diseases. Identifiers: MedGen C0950123, MeSH D030342.
Glomerulopathy with fibronectin deposits 2 (GFND2). Identifiers: Orphanet 84090, MedGen C1866075, MONDO:0011165, OMIM 601894.
Spondylometaphyseal dysplasia - Sutcliffe type. Also called: Sutcliffe type of spondylometaphyseal dysplasia; Sutcliffe SMD; Spondylometaphyseal Dysplasia, Corner Fracture Type; Spondylometaphyseal dysplasia, 'corner fracture' type. Identifiers: Orphanet 93315, MedGen C0432221, MONDO:0008479, OMIM 184255.
FN1-related disorder. Also called: FN1-related condition.

Allele frequency attached by ClinVar (database versions not stated): ExAC 0.00005; gnomAD exomes 0.00006 and 0.00021; TOPMed 0.00008; gnomAD 0.00009.
gnomAD v4.1: 315 of 1,613,856 alleles (0.02%); highest among the groups gnomAD compares: Non-Finnish European, 0.026%; no homozygotes.

Submissions (4):

Labcorp Genetics (formerly Invitae), Labcorp
Classification: Uncertain significance. Last evaluated: 2025-03-31. Review status: criteria provided, single submitter. Criteria: Invitae Variant Classification Sherloc (09022015). Collection method: clinical testing. Allele origin: germline.
Comment: This sequence change replaces threonine, which is neutral and polar, with lysine, which is basic and polar, at codon 1914 of the FN1 protein (p.Thr1914Lys). This variant is present in population databases (rs765428225, gnomAD 0.01%), and has an allele count higher than expected for a pathogenic variant. This variant has not been reported in the literature in individuals affected with FN1-related conditions. ClinVar contains an entry for this variant (Variation ID: 1004186). An algorithm developed to predict the effect of missense changes on protein structure and function (PolyPhen-2) suggests that this variant is likely to be disruptive. In summary, the available evidence is currently insufficient to determine the role of this variant in disease. Therefore, it has been classified as a Variant of Uncertain Significance.

PreventionGenetics, part of Exact Sciences
Classification: Uncertain significance for FN1-related condition. Last evaluated: 2024-10-30. Review status: criteria provided, single submitter. Criteria: ACMG Guidelines, 2015. Collection method: clinical testing. Allele origin: germline.
Comment: The FN1 c.5741C>A variant is predicted to result in the amino acid substitution p.Thr1914Lys. To our knowledge, this variant has not been reported in the literature. This variant is reported in 0.012% of alleles in individuals of European (Non-Finnish) descent in gnomAD. At this time, the clinical significance of this variant is uncertain due to the absence of conclusive functional and genetic evidence.

Ambry Genetics
Classification: Uncertain significance for Inborn genetic diseases. Last evaluated: 2024-04-27. Review status: criteria provided, single submitter. Criteria: Ambry Variant Classification Scheme 2023. Collection method: clinical testing. Allele origin: germline.

Fulgent Genetics
Classification: Uncertain significance for Spondylometaphyseal dysplasia - Sutcliffe type; Glomerulopathy with fibronectin deposits 2. Last evaluated: 2024-01-23. Review status: criteria provided, single submitter. Criteria: ACMG Guidelines, 2015. Collection method: clinical testing. Allele origin: germline.

NM_212482.4(FN1):c.5741C>A (p.Thr1914Lys)

Gene: FN1 (fibronectin 1; minus strand). Cytogenetic location: 2q35.
Variant type: single nucleotide variant.
Coding change: c.5741C>A on transcript NM_212482.4 (MANE Select); coding-DNA position 5741, C replaced by A.
Protein change: p.Thr1914Lys; replaces threonine 1914 with lysine.
Molecular consequence: missense variant.
Genome position (GRCh38, 1-based): chr2:215,376,644, G>T on the plus strand (C>A on the coding strand, the complement: FN1 is on the minus strand). VCF-style: chr2-215376644-G-T. GRCh37 (hg19) VCF-style: chr2-216241367-G-T.
Other names: c.5741C>A (NM_212482.2, NM_212482.1); c.5741C>A, p.Thr1914Lys (NM_001306129.2); c.5471C>A, p.Thr1824Lys (NM_001306130.2, NM_001365517.2, NM_001365519.2 and 2 more transcripts); c.5198C>A, p.Thr1733Lys (NM_001306131.2, NM_001306132.2, NM_001365523.2 and 2 more transcripts); c.5468C>A, p.Thr1823Lys (NM_001365518.2, NM_001365520.2, NM_001365524.2 and 2 more transcripts); short protein forms T1733K, T1823K, T1824K, T1914K.
Identifiers: ClinVar variation 1004186 (VCV001004186.13), dbSNP rs765428225, ClinGen allele CA2094039.